The following is an entry in ClinVar:

ClinVar aggregate classification (germline): Uncertain significance (1 of 4 stars; one submission).

gnomAD v4.1: 2 of 1,558,580 alleles (0.00013%); highest among the groups gnomAD compares: Non-Finnish European, 0.00017%; no homozygotes.

Submission:

Labcorp Genetics (formerly Invitae), Labcorp
Classification: Uncertain significance. Last evaluated: 2022-03-09. Review status: criteria provided, single submitter. Criteria: Invitae Variant Classification Sherloc (09022015). Collection method: clinical testing. Allele origin: germline.
Comment: Algorithms developed to predict the effect of missense changes on protein structure and function (SIFT, PolyPhen-2, Align-GVGD) all suggest that this variant is likely to be tolerated. ClinVar contains an entry for this variant (Variation ID: 940360). This variant has not been reported in the literature in individuals affected with PLEKHM2-related conditions. This variant is not present in population databases (gnomAD no frequency). This sequence change replaces glutamic acid, which is acidic and polar, with glutamine, which is neutral and polar, at codon 274 of the PLEKHM2 protein (p.Glu274Gln). In summary, the available evidence is currently insufficient to determine the role of this variant in disease. Therefore, it has been classified as a Variant of Uncertain Significance.

NM_015164.4(PLEKHM2):c.820G>C (p.Glu274Gln)

Gene: PLEKHM2 (pleckstrin homology and RUN domain containing M2; plus strand). Cytogenetic location: 1p36.21.
Variant type: single nucleotide variant.
Coding change: c.820G>C on transcript NM_015164.4 (MANE Select); coding-DNA position 820, G replaced by C.
Protein change: p.Glu274Gln; replaces glutamic acid 274 with glutamine.
Molecular consequence: missense variant.
Genome position (GRCh38, 1-based): chr1:15,725,424, G>C. VCF-style: chr1-15725424-G-C. GRCh37 (hg19) VCF-style: chr1-16051919-G-C.
Other names: short protein forms E274Q.
Identifiers: ClinVar variation 940360 (VCV000940360.9), dbSNP rs552932422, ClinGen allele CA616780.